The following is an entry in ClinVar:

ClinVar aggregate classification (germline): Uncertain significance. Review status: criteria provided, multiple submitters, no conflicts (2 of 4 stars). 2 submissions from 2 submitters: Uncertain significance (2). Last evaluated 2024-12-20.

Conditions:
Inborn genetic diseases. Identifiers: MedGen C0950123, MeSH D030342.

gnomAD v4.1: 3 of 1,595,486 alleles (0.00019%); highest among the groups gnomAD compares: Non-Finnish European, 0.00026%; no homozygotes.

Submissions (2):

Ambry Genetics
Classification: Uncertain significance for Inborn genetic diseases. Last evaluated: 2024-12-20. Review status: criteria provided, single submitter. Criteria: Ambry Variant Classification Scheme 2023. Collection method: clinical testing. Allele origin: germline.
Comment: The p.I709V variant (also known as c.2125A>G), located in coding exon 16 of the SLC12A6 gene, results from an A to G substitution at nucleotide position 2125. The isoleucine at codon 709 is replaced by valine, an amino acid with highly similar properties. This amino acid position is conserved. In addition, the in silico prediction for this alteration is inconclusive. Based on the available evidence, the clinical significance of this variant remains unclear.

Labcorp Genetics (formerly Invitae), Labcorp
Classification: Uncertain significance. Last evaluated: 2024-11-15. Review status: criteria provided, single submitter. Criteria: Invitae Variant Classification Sherloc (09022015). Collection method: clinical testing. Allele origin: germline.
Comment: This sequence change replaces isoleucine, which is neutral and non-polar, with valine, which is neutral and non-polar, at codon 709 of the SLC12A6 protein (p.Ile709Val). This variant is not present in population databases (gnomAD no frequency). This variant has not been reported in the literature in individuals affected with SLC12A6-related conditions. Invitae Evidence Modeling of protein sequence and biophysical properties (such as structural, functional, and spatial information, amino acid conservation, physicochemical variation, residue mobility, and thermodynamic stability) indicates that this missense variant is not expected to disrupt SLC12A6 protein function with a negative predictive value of 80%. In summary, the available evidence is currently insufficient to determine the role of this variant in disease. Therefore, it has been classified as a Variant of Uncertain Significance.

NM_001365088.1(SLC12A6):c.2125A>G (p.Ile709Val)

Gene: SLC12A6 (solute carrier family 12 member 6; minus strand). Cytogenetic location: 15q14.
Variant type: single nucleotide variant.
Coding change: c.2125A>G on transcript NM_001365088.1 (MANE Select); coding-DNA position 2125, A replaced by G.
Protein change: p.Ile709Val; replaces isoleucine 709 with valine.
Molecular consequence: missense variant.
Genome position (GRCh38, 1-based): chr15:34,242,139, T>C on the plus strand (A>G on the coding strand, the complement: SLC12A6 is on the minus strand). VCF-style: chr15-34242139-T-C. GRCh37 (hg19) VCF-style: chr15-34534340-T-C.
Other names: c.1948A>G, p.Ile650Val (NM_001042494.2, NM_001042495.2); c.2098A>G, p.Ile700Val (NM_001042496.2); c.2080A>G, p.Ile694Val (NM_001042497.2); c.1972A>G, p.Ile658Val (NM_005135.2); c.2125A>G, p.Ile709Val (NM_133647.2); short protein forms I658V, I694V, I700V, I650V, I709V.
Identifiers: ClinVar variation 3718010 (VCV003718010.3).